The following is an entry in ClinVar:

NM_001363711.2(DUOX2):c.3686A>T (p.Tyr1229Phe)

Gene: DUOX2 (dual oxidase 2; minus strand). Cytogenetic location: 15q21.1.
Variant type: single nucleotide variant.
Coding change: c.3686A>T on transcript NM_001363711.2 (MANE Select); coding-DNA position 3686, A replaced by T.
Protein change: p.Tyr1229Phe; replaces tyrosine 1229 with phenylalanine.
Molecular consequence: missense variant.
Genome position (GRCh38, 1-based): chr15:45,097,621, T>A on the plus strand (A>T on the coding strand, the complement: DUOX2 is on the minus strand). VCF-style: chr15-45097621-T-A. GRCh37 (hg19) VCF-style: chr15-45389819-T-A.
Other names: c.3686A>T, p.Tyr1229Phe (NM_014080.5); short protein forms Y1229F.
Identifiers: ClinVar variation 2973917 (VCV002973917.3), dbSNP rs1807992002, ClinGen allele CA392255554.

ClinVar aggregate classification (germline): Uncertain significance (1 of 4 stars; one submission).

Allele frequency attached by ClinVar (database versions not stated): TOPMed below 0.00001.

Submission:

Labcorp Genetics (formerly Invitae), Labcorp
Classification: Uncertain significance. Last evaluated: 2023-05-11. Review status: criteria provided, single submitter. Criteria: Invitae Variant Classification Sherloc (09022015). Collection method: clinical testing. Allele origin: germline.
Comment: This variant is not present in population databases (gnomAD no frequency). This sequence change replaces tyrosine, which is neutral and polar, with phenylalanine, which is neutral and non-polar, at codon 1229 of the DUOX2 protein (p.Tyr1229Phe). In summary, the available evidence is currently insufficient to determine the role of this variant in disease. Therefore, it has been classified as a Variant of Uncertain Significance. Advanced modeling of protein sequence and biophysical properties (such as structural, functional, and spatial information, amino acid conservation, physicochemical variation, residue mobility, and thermodynamic stability) performed at Invitae indicates that this missense variant is not expected to disrupt DUOX2 protein function. This variant has not been reported in the literature in individuals affected with DUOX2-related conditions.